The following is an entry in ClinVar:

ClinVar aggregate classification (germline): Uncertain significance. Review status: criteria provided, multiple submitters, no conflicts (2 of 4 stars). 2 submissions from 2 submitters: Uncertain significance (2). Last evaluated 2025-09-18.

Conditions:
Malignant tumor of urinary bladder. Also called: Urinary Bladder Neoplasms; Bladder cancer; Urinary bladder cancer. Identifiers: MedGen C0005684, MONDO:0001187, OMIM 109800.
Hereditary cancer-predisposing syndrome. Also called: Neoplastic Syndromes, Hereditary; Hereditary neoplastic syndrome; Tumor predisposition; Hereditary Cancer Syndrome. Identifiers: Orphanet 140162, MedGen C0027672, MeSH D009386, MONDO:0015356.

Allele frequency attached by ClinVar (database versions not stated): TOPMed below 0.00001; gnomAD 0.00001.
gnomAD v4.1: 1 of 1,601,760 alleles (0.000062%); highest among the groups gnomAD compares: African/African-American, 0.0013%; no homozygotes.

Submissions (2):

Ambry Genetics
Classification: Uncertain significance for Hereditary cancer-predisposing syndrome. Last evaluated: 2025-09-18. Review status: criteria provided, single submitter. Criteria: Ambry Variant Classification Scheme 2023. Collection method: clinical testing. Allele origin: germline.
Comment: The p.V314I variant (also known as c.940G>A) is located in coding exon 10 of the RB1 gene. The valine at codon 314 is replaced by isoleucine, an amino acid with highly similar properties. This change occurs in the first base pair of coding exon 10. This amino acid position is highly conserved in available vertebrate species. In silico splice site analysis predicts that this alteration will weaken the native splice acceptor site. In addition, the in silico prediction for this alteration is inconclusive. Based on the available evidence, the clinical significance of this variant remains unclear.

Baylor Genetics
Classification: Uncertain significance for Malignant tumor of urinary bladder. Last evaluated: 2023-05-11. Review status: criteria provided, single submitter. Criteria: ACMG Guidelines, 2015. Collection method: clinical testing. Allele origin: unknown.

NM_000321.3(RB1):c.940G>A (p.Val314Ile)

Gene: RB1 (RB transcriptional corepressor 1; plus strand). Cytogenetic location: 13q14.2.
Variant type: single nucleotide variant.
Coding change: c.940G>A on transcript NM_000321.3 (MANE Select); coding-DNA position 940, G replaced by A.
Protein change: p.Val314Ile; replaces valine 314 with isoleucine.
Molecular consequence: missense variant.
Genome position (GRCh38, 1-based): chr13:48,367,494, G>A. VCF-style: chr13-48367494-G-A. GRCh37 (hg19) VCF-style: chr13-48941630-G-A.
Other names: c.940G>A, p.Val314Ile (NM_001407165.1, NM_001407166.1); short protein forms V314I.
Identifiers: ClinVar variation 2678292 (VCV002678292.2), dbSNP rs1566194312, ClinGen allele CA388160569.